The following is an entry in ClinVar:

NM_001999.4(FBN2):c.5918-327C>T

Gene: FBN2 (fibrillin 2; minus strand). Cytogenetic location: 5q23.3.
Variant type: single nucleotide variant.
Coding change: c.5918-327C>T on transcript NM_001999.4 (MANE Select); 327 bases into the intron before coding-DNA position 5918, C replaced by T.
Molecular consequence: intron variant.
Genome position (GRCh38, 1-based): chr5:128,301,837, G>A on the plus strand (C>T on the coding strand, the complement: FBN2 is on the minus strand). VCF-style: chr5-128301837-G-A. GRCh37 (hg19) VCF-style: chr5-127637529-G-A.
Identifiers: ClinVar variation 669453 (VCV000669453.1), dbSNP rs12523609, ClinGen allele CA12122357.

ClinVar aggregate classification (germline): Benign (1 of 4 stars; one submission).

Allele frequency attached by ClinVar (database versions not stated): 1000 Genomes Project 30x 0.07776; 1000 Genomes Project 0.08027; TOPMed 0.08119; gnomAD 0.08147 and 0.08252.
gnomAD v4.1: 12,533 of 152,060 alleles (8.2%); highest among the groups gnomAD compares: South Asian, 10%; 614 homozygotes.

Submission:

GeneDx
Classification: Benign. Last evaluated: 2018-06-14. Review status: criteria provided, single submitter. Criteria: GeneDx Variant Classification (06012015). Collection method: clinical testing. Allele origin: germline. Affected: yes.
Comment: This variant is considered likely benign or benign based on one or more of the following criteria: it is a conservative change, it occurs at a poorly conserved position in the protein, it is predicted to be benign by multiple in silico algorithms, and/or has population frequency not consistent with disease.